The following is an entry in ClinVar:

NM_006005.3(WFS1):c.2432_2433delinsGA (p.Lys811Arg)

Gene: WFS1 (wolframin ER transmembrane glycoprotein; plus strand). Cytogenetic location: 4p16.1.
Variant type: Indel.
Coding change: c.2432_2433delinsGA on transcript NM_006005.3 (MANE Select); coding-DNA positions 2432 to 2433, AG replaced by GA.
Protein change: p.Lys811Arg; replaces lysine 811 with arginine.
Molecular consequence: missense variant.
Genome position (GRCh38, 1-based): chr4:6,302,227-6,302,228, AG replaced by GA. VCF-style: chr4-6302227-AG-GA. GRCh37 (hg19) VCF-style: chr4-6303954-AG-GA.
Other names: c.2432_2433delinsGA, p.Lys811Arg (NM_001145853.1); short protein forms K811R.
Identifiers: ClinVar variation 1318797 (VCV001318797.15), dbSNP rs2109127604, ClinGen allele CA2573052348.

ClinVar aggregate classification (germline): Uncertain significance. Review status: criteria provided, multiple submitters, no conflicts (2 of 4 stars). 2 submissions from 2 submitters: Uncertain significance (2). Last evaluated 2026-08-04.

Submissions (2):

GeneDx
Classification: Uncertain significance. Last evaluated: 2026-08-04. Review status: criteria provided, single submitter. Criteria: GeneDx Variant Classification Process June 2021. Collection method: clinical testing. Allele origin: germline.
Comment: In silico analysis suggests that this variant does not alter protein structure/function; Has not been previously published as pathogenic or benign in association with a WFS1-related disorder to our knowledge; This variant is associated with the following publications: (PMID: Moscona-Nissan_medRxiv_2024)

Labcorp Genetics (formerly Invitae), Labcorp
Classification: Uncertain significance. Last evaluated: 2025-10-25. Review status: criteria provided, single submitter. Criteria: Invitae Variant Classification Sherloc (09022015). Collection method: clinical testing. Allele origin: germline.
Comment: This sequence change replaces lysine, which is basic and polar, with arginine, which is basic and polar, at codon 811 of the WFS1 protein (p.Lys811Arg). This variant is present in population databases (no rsID available, gnomAD 0.01%). This variant has not been reported in the literature in individuals affected with WFS1-related conditions. ClinVar contains an entry for this variant (Variation ID: 1318797). An algorithm developed to predict the effect of missense changes on protein structure and function (PolyPhen-2) suggests that this variant is likely to be tolerated. In summary, the available evidence is currently insufficient to determine the role of this variant in disease. Therefore, it has been classified as a Variant of Uncertain Significance.